The following is an entry in ClinVar:

ClinVar aggregate classification (germline): Uncertain significance (1 of 4 stars; one submission).

Submission:

GeneDx
Classification: Uncertain significance. Last evaluated: 2024-02-01. Review status: criteria provided, single submitter. Criteria: GeneDx Variant Classification Process June 2021. Collection method: clinical testing. Allele origin: germline. Affected: yes.
Comment: Not observed at significant frequency in large population cohorts (gnomAD); In silico analysis supports that this missense variant has a deleterious effect on protein structure/function; Has not been previously published as pathogenic or benign to our knowledge

NM_052867.4(NALCN):c.4048G>A (p.Ala1350Thr)

Gene: NALCN (sodium leak channel, non-selective; minus strand). Cytogenetic location: 13q32.3.
Variant type: single nucleotide variant.
Coding change: c.4048G>A on transcript NM_052867.4 (MANE Select); coding-DNA position 4048, G replaced by A.
Protein change: p.Ala1350Thr; replaces alanine 1350 with threonine.
Molecular consequence: missense variant.
Genome position (GRCh38, 1-based): chr13:101,074,569, C>T on the plus strand (G>A on the coding strand, the complement: NALCN is on the minus strand). VCF-style: chr13-101074569-C-T. GRCh37 (hg19) VCF-style: chr13-101726920-C-T.
Other names: c.4135G>A, p.Ala1379Thr (NM_001350748.2); c.4048G>A, p.Ala1350Thr (NM_001350749.2); c.3961G>A, p.Ala1321Thr (NM_001350750.2, NM_001350751.2); short protein forms A1321T, A1350T, A1379T.
Identifiers: ClinVar variation 3368444 (VCV003368444.1).
Genomic context (GRCh38, chr13:101,074,569, plus strand): 5'-CCAACCTGTTAATATTCTCCCCATATTTCACAGTACCAAATAAAACAACTCCAGCAAAAG[C>T]GTAACACAGCAGCAAGAGAAACATGCCTACTATGATAAAGAAGCTCTTGTACATGCTGAC-3'
Protein context (NP_443099.1, residues 1340-1360): VGMFLLLLCY[Ala1350Thr]FAGVVLFGTV